The following is an entry in ClinVar:

ClinVar aggregate classification (germline): Uncertain significance. Review status: criteria provided, multiple submitters, no conflicts (2 of 4 stars). 2 submissions from 2 submitters: Uncertain significance (2). Last evaluated 2023-04-07.

Allele frequency attached by ClinVar (database versions not stated): gnomAD 0.00006; TOPMed 0.00006; ESP Exome Variant Server 0.00015.
gnomAD v4.1: 107 of 1,613,642 alleles (0.0066%); highest among the groups gnomAD compares: Non-Finnish European, 0.0088%; no homozygotes.

Submissions (2):

Ambry Genetics
Classification: Uncertain significance. Last evaluated: 2023-04-07. Review status: criteria provided, single submitter. Criteria: Ambry Variant Classification Scheme 2023. Collection method: clinical testing. Allele origin: germline.

Laboratory for Molecular Medicine, Mass General Brigham Personalized Medicine
Classification: Uncertain significance. Last evaluated: 2015-01-29. Review status: criteria provided, single submitter. Criteria: LMM Criteria. Collection method: clinical testing. Allele origin: germline. Observed: 1 variant allele.
Comment: The p.Glu182Asp variant in CCDC50 has not been previously reported in individual s with hearing loss, but has been identified in 3/67120 European chromosomes by the Exome Aggregation Consortium (ExAC; dbSNP rs 201472875). Although this variant has been seen in the general population, its f requency is not high enough to rule out a pathogenic role. Computational predict ion tools and conservation analyses suggest that the p.Glu182Asp variant may not impact the protein, though this information is not predictive enough to rule ou t pathogenicity. In summary, the clinical significance of the p.Glu182Asp varian t is uncertain.

NM_178335.3(CCDC50):c.546G>C (p.Glu182Asp)

Gene: CCDC50 (coiled-coil domain containing 50; plus strand). Cytogenetic location: 3q28.
Variant type: single nucleotide variant.
Coding change: c.546G>C on transcript NM_178335.3 (MANE Select); coding-DNA position 546, G replaced by C.
Protein change: p.Glu182Asp; replaces glutamic acid 182 with aspartic acid.
Molecular consequence: missense variant. On other transcripts: intron variant (1).
Genome position (GRCh38, 1-based): chr3:191,375,159, G>C. VCF-style: chr3-191375159-G-C. GRCh37 (hg19) VCF-style: chr3-191092948-G-C.
Other names: c.449-5000G>C (NM_174908.4); short protein forms E182D.
Identifiers: ClinVar variation 228478 (VCV000228478.6), dbSNP rs201472875, ClinGen allele CA2755279.